The following is an entry in ClinVar:

NM_001844.5(COL2A1):c.2293G>A (p.Gly765Ser)

Gene: COL2A1 (collagen type II alpha 1 chain; minus strand). Cytogenetic location: 12q13.11.
Variant type: single nucleotide variant.
Coding change: c.2293G>A on transcript NM_001844.5 (MANE Select); coding-DNA position 2293, G replaced by A.
Protein change: p.Gly765Ser; replaces glycine 765 with serine.
Molecular consequence: missense variant.
Genome position (GRCh38, 1-based): chr12:47,982,510, C>T on the plus strand (G>A on the coding strand, the complement: COL2A1 is on the minus strand). VCF-style: chr12-47982510-C-T. GRCh37 (hg19) VCF-style: chr12-48376293-C-T.
Other names: c.2086G>A, p.Gly696Ser (NM_033150.3); short protein forms G696S, G765S.
Identifiers: ClinVar variation 2664803 (VCV002664803.1), dbSNP rs2540133960, ClinGen allele CA384545905.

ClinVar aggregate classification (germline): Likely pathogenic (1 of 4 stars; one submission).

Conditions:
Achondrogenesis type II (ACG2). Also called: ACHONDROGENESIS, LANGER-SALDINO TYPE; CHONDROGENESIS IMPERFECTA. Identifiers: Orphanet 932, Orphanet 93296, MedGen C0220685, MONDO:0008702, OMIM 200610.

Submission:

Genetics and Molecular Pathology, SA Pathology
Classification: Likely pathogenic for Achondrogenesis type II. Last evaluated: 2023-06-29. Review status: criteria provided, single submitter. Criteria: ACMG Guidelines, 2015. Collection method: clinical testing. Allele origin: germline. Inheritance: Autosomal dominant inheritance. Affected: yes.
Comment: The COL2A1 c.2293G>A variant is classified as Likely Pathogenic (PM1, PM2, PP3, PP4) The COL2A1 c.2293G>A variant is a single nucleotide change in exon 34/54 of the COL2A1 gene, which is predicted to change the amino acid glycine at position 765 in the protein to serine. This variant is absent from population databases (PM2). This variant is located in the conserved PMID: 15895462, PMID: 26443184, PMID: 26626311 ( PMID: 15895462, PMID: 26443184, PMID: 26626311. ) (PM1). Computational predictions support a deleterious effect on the gene or gene product (PP3). The clinical features of this case are highly specific for the COL2A1, the family history is consistent with the mode of inheritance of this condition and this patient has a well-defined syndrome with little overlap with other clinical presentations (PP4). This variant has not been reported in dbSNP, ClinVar or HGMD.

Literature cited by the submitters: PubMed 15895462; PubMed 26443184; PubMed 26626311.